The following is an entry in ClinVar:

ClinVar aggregate classification (germline): Conflicting classifications of pathogenicity. Review status: criteria provided, conflicting classifications (1 of 4 stars). 4 submissions from 4 submitters: Uncertain significance (1); Likely benign (3). Last evaluated 2025-12-10.

Conditions:
Cardiovascular phenotype. Identifiers: MedGen CN230736.

Allele frequency attached by ClinVar (database versions not stated): ESP Exome Variant Server 0.00008; gnomAD 0.00026; TOPMed 0.00028; 1000 Genomes Project 30x 0.00062; 1000 Genomes Project 0.00080.
gnomAD v4.1: 106 of 1,614,070 alleles (0.0066%); highest among the groups gnomAD compares: African/African-American, 0.12%; no homozygotes.

Submissions (4):

Labcorp Genetics (formerly Invitae), Labcorp
Classification: Likely benign. Last evaluated: 2025-12-10. Review status: criteria provided, single submitter. Criteria: Invitae Variant Classification Sherloc (09022015). Collection method: clinical testing. Allele origin: germline.

Mayo Clinic Laboratories, Mayo Clinic
Classification: Likely benign. Last evaluated: 2025-10-19. Review status: criteria provided, single submitter. Criteria: ACMG Guidelines, 2015. Collection method: clinical testing. Allele origin: germline. Observed: 1 variant allele.
Comment: BP4, BP7

Ambry Genetics
Classification: Likely benign for Cardiovascular phenotype. Last evaluated: 2022-03-17. Review status: criteria provided, single submitter. Criteria: Ambry Variant Classification Scheme 2023. Collection method: clinical testing. Allele origin: germline.

Eurofins Ntd Llc (ga)
Classification: Uncertain significance. Last evaluated: 2018-02-01. Review status: criteria provided, single submitter. Criteria: EGL Classification Definitions 2015. Collection method: clinical testing. Allele origin: germline. Observed: 5 variant alleles, 5 heterozygotes.

NM_022437.3(ABCG8):c.888G>T (p.Ala296=)

Gene: ABCG8 (ATP binding cassette subfamily G member 8; plus strand). Cytogenetic location: 2p21.
Variant type: single nucleotide variant.
Coding change: c.888G>T on transcript NM_022437.3 (MANE Select); coding-DNA position 888, G replaced by T.
Protein change: p.Ala296=; no amino-acid change (alanine 296 retained).
Molecular consequence: synonymous variant.
Genome position (GRCh38, 1-based): chr2:43,852,792, G>T. VCF-style: chr2-43852792-G-T. GRCh37 (hg19) VCF-style: chr2-44079931-G-T.
Other names: p.Ala296=; c.888G>T, p.Ala296= (NM_001357321.2).
Identifiers: ClinVar variation 501912 (VCV000501912.12), dbSNP rs143182625, ClinGen allele CA1637194.
Genomic context (GRCh38, chr2:43,852,792, plus strand): 5'-CTTCAGGCTGTTTGATCTGGTCCTCCTGATGACGTCTGGCACCCCCATCTACTTAGGGGC[G>T]GCCCAGCACATGGTCCAGTATTTCACAGCCATCGGCTACCCCTGTCCTCGCTACAGCAAT-3'
Protein context (NP_071882.1, residues 286-306): MTSGTPIYLG[Ala296=]AQHMVQYFTA